The following is an entry in ClinVar:

NM_001844.5(COL2A1):c.1365+19C>A

Gene: COL2A1 (collagen type II alpha 1 chain; minus strand). Cytogenetic location: 12q13.11.
Variant type: single nucleotide variant.
Coding change: c.1365+19C>A on transcript NM_001844.5 (MANE Select); 19 bases into the intron after coding-DNA position 1365, C replaced by A.
Molecular consequence: intron variant.
Genome position (GRCh38, 1-based): chr12:47,987,059, G>T on the plus strand (C>A on the coding strand, the complement: COL2A1 is on the minus strand). VCF-style: chr12-47987059-G-T. GRCh37 (hg19) VCF-style: chr12-48380842-G-T.
Other names: c.1158+19C>A (NM_033150.3).
Identifiers: ClinVar variation 2627215 (VCV002627215.1), dbSNP rs2540151388, ClinGen allele CA2582342502.

ClinVar aggregate classification (germline): Likely benign (1 of 4 stars; one submission).

Allele frequency attached by ClinVar (database versions not stated): gnomAD exomes below 0.00001.
gnomAD v4.1: 1 of 1,610,260 alleles (0.000062%); highest among the groups gnomAD compares: Middle Eastern, 0.016%; no homozygotes.

Submission:

Women's Health and Genetics/Laboratory Corporation of America, LabCorp
Classification: Likely benign. Last evaluated: 2023-09-13. Review status: criteria provided, single submitter. Criteria: LabCorp Variant Classification Summary - May 2015. Collection method: clinical testing. Allele origin: germline.
Comment: Variant summary: COL2A1 c.1365+19C>A alters a conserved nucleotide located at a position not widely known to affect splicing. Consensus agreement among computation tools predict no significant impact on normal splicing. However, these predictions have yet to be confirmed by functional studies. The variant was absent in 251430 control chromosomes. The available data on variant occurrences in the general population are insufficient to allow any conclusion about variant significance. To our knowledge, no occurrence of c.1365+19C>A in individuals affected with Achondrogenesis, Type II and no experimental evidence demonstrating its impact on protein function have been reported. No submitters have cited clinical-significance assessments for this variant to ClinVar after 2014. Based on the evidence outlined above, the variant was classified as likely benign.